The following is an entry in ClinVar:

NM_001370100.5(ZMYND11):c.117-11912T>G

Gene: ZMYND11 (zinc finger MYND-type containing 11; plus strand). Cytogenetic location: 10p15.3.
Variant type: single nucleotide variant.
Coding change: c.117-11912T>G on transcript NM_001370100.5 (MANE Select); 11912 bases into the intron before coding-DNA position 117, T replaced by G.
Molecular consequence: intron variant. On other transcripts: missense variant (3).
Genome position (GRCh38, 1-based): chr10:197,977, T>G. VCF-style: chr10-197977-T-G. GRCh37 (hg19) VCF-style: chr10-243917-T-G.
Other names: c.37T>G, p.Phe13Val (NM_001330057.3, NM_001370112.2, NM_001370123.2); c.117-11912T>G (NM_001370103.2, NM_001370104.2, NM_006624.7 and 24 more transcripts); c.-4-11912T>G (NM_001370118.2, NM_001370121.2); c.51-11912T>G (NM_001370116.2, NM_001370120.2); c.-33-38861T>G (NM_001370124.3); short protein forms F13V.
Identifiers: ClinVar variation 4886619 (VCV004886619.2).

ClinVar aggregate classification (germline): Uncertain significance (1 of 4 stars; one submission).

Submission:

Dasa
Classification: Uncertain significance. Last evaluated: 2024-11-04. Review status: criteria provided, single submitter. Criteria: DASA Assertion Criteria. Collection method: clinical testing. Allele origin: germline.
Comment: NM_001330057.3(ZMYND11):c.37T>G (p.Phe13Val) is a missense variant that results in the substitution of phenylalanine with valine. This variant is absent from population databases. Computational prediction algorithms are consistent with a benign effect. The currently available literature and clinical evidence are not sufficient to establish a definitive association between this variant and the reported condition. Therefore, this variant is classified as a variant of uncertain significance.